The following is an entry in ClinVar:

ClinVar aggregate classification (germline): Conflicting classifications of pathogenicity. Review status: criteria provided, conflicting classifications (1 of 4 stars). 2 submissions from 2 submitters: Uncertain significance (1); Likely benign (1). Last evaluated 2026-07-05.

Conditions:
DUOX2-related disorder. Also called: DUOX2-related condition.

Allele frequency attached by ClinVar (database versions not stated): ExAC 0.00006; gnomAD exomes 0.00007; gnomAD 0.00016 and 0.00017; TOPMed 0.00024; ESP Exome Variant Server 0.00031.
gnomAD v4.1: 245 of 1,604,504 alleles (0.015%); highest among the groups gnomAD compares: African/African-American, 0.039%; no homozygotes.

Submissions (2):

PreventionGenetics, part of Exact Sciences
Classification: Uncertain significance for DUOX2-related condition. Last evaluated: 2026-07-05. Review status: criteria provided, single submitter. Criteria: ACMG Guidelines, 2015. Collection method: clinical testing. Allele origin: germline.
Comment: The DUOX2 c.2895G>A variant is not predicted to result in an amino acid change (p.=). This variant is predicted to alter splicing based on available splicing prediction programs (SpliceAI, Jaganathan et al. 2019. PubMed ID: 30661751). However, the use of computer prediction programs is not equivalent to functional evidence. To our knowledge, this variant has not been reported in the literature. This variant is reported in 0.028% of alleles in individuals of African descent in gnomAD. At this time, the clinical significance of this variant is uncertain due to the absence of conclusive functional and genetic evidence.

Labcorp Genetics (formerly Invitae), Labcorp
Classification: Likely benign. Last evaluated: 2025-12-20. Review status: criteria provided, single submitter. Criteria: Invitae Variant Classification Sherloc (09022015). Collection method: clinical testing. Allele origin: germline.

NM_001363711.2(DUOX2):c.2895G>A (p.Ser965=)

Gene: DUOX2 (dual oxidase 2; minus strand). Cytogenetic location: 15q21.1.
Variant type: single nucleotide variant.
Coding change: c.2895G>A on transcript NM_001363711.2 (MANE Select); coding-DNA position 2895, G replaced by A.
Protein change: p.Ser965=; no amino-acid change (serine 965 retained).
Molecular consequence: synonymous variant.
Genome position (GRCh38, 1-based): chr15:45,101,231, C>T on the plus strand (G>A on the coding strand, the complement: DUOX2 is on the minus strand). VCF-style: chr15-45101231-C-T. GRCh37 (hg19) VCF-style: chr15-45393429-C-T.
Other names: c.2895G>A, p.Ser965= (NM_014080.5); c.2895G>A (NM_014080.4).
Identifiers: ClinVar variation 1579334 (VCV001579334.9), dbSNP rs140446258, ClinGen allele CA7538100.